The following is an entry in ClinVar:

ClinVar aggregate classification (germline): Pathogenic (1 of 4 stars; one submission).

Submission:

Labcorp Genetics (formerly Invitae), Labcorp
Classification: Pathogenic. Last evaluated: 2022-05-14. Review status: criteria provided, single submitter. Criteria: Invitae Variant Classification Sherloc (09022015). Collection method: clinical testing. Allele origin: germline.
Comment: This variant has not been reported in the literature in individuals affected with XPC-related conditions. For these reasons, this variant has been classified as Pathogenic. This variant is not present in population databases (gnomAD no frequency). This sequence change creates a premature translational stop signal (p.Glu34*) in the XPC gene. It is expected to result in an absent or disrupted protein product. Loss-of-function variants in XPC are known to be pathogenic (PMID: 23173980, 25256075).

Literature cited by the submitters: PubMed 23173980; PubMed 25256075.

NM_004628.5(XPC):c.100G>T (p.Glu34Ter)

Genes: XPC (XPC complex subunit, DNA damage recognition and repair factor; minus strand), LOC129936244 (ATAC-STARR-seq lymphoblastoid active region 19500; plus strand). Cytogenetic location: 3p25.1.
Variant type: single nucleotide variant.
Coding change: c.100G>T on transcript NM_004628.5 (MANE Select); coding-DNA position 100, G replaced by T.
Protein change: p.Glu34Ter; replaces glutamic acid 34 with a stop codon.
Molecular consequence: nonsense. On other transcripts: 5 prime UTR variant (1), non-coding transcript variant (2), intron variant (1).
Genome position (GRCh38, 1-based): chr3:14,178,469, C>A on the plus strand (G>T on the coding strand, the complement: XPC is on the minus strand). VCF-style: chr3-14178469-C-A. GRCh37 (hg19) VCF-style: chr3-14219969-C-A.
Other names: c.-356G>T (NM_001354726.2); c.100G>T, p.Glu34Ter (NM_001354727.2, NM_001354730.2); c.85+15G>T (NM_001354729.2); short protein forms E34*.
Identifiers: ClinVar variation 1994460 (VCV001994460.4), dbSNP rs2470320911, ClinGen allele CA351543586.